The following is an entry in ClinVar:

ClinVar aggregate classification (germline): Likely pathogenic (1 of 4 stars; one submission).

Conditions:
Methylmalonic aciduria and homocystinuria type cblF. Also called: COBALAMIN F DISEASE; COBALAMIN, DEFECT IN LYSOSOMAL RELEASE OF; METHYLMALONIC ACIDEMIA AND HOMOCYSTINURIA, cblF TYPE; METHYLMALONIC ACIDURIA DUE TO VITAMIN B12-RELEASE DEFECT; VITAMIN B12 LYSOSOMAL RELEASE DEFECT; VITAMIN B12 STORAGE DISEASE. Identifiers: Orphanet 79284, MedGen C1848578, MONDO:0010183, OMIM 277380.

Allele frequency attached by ClinVar (database versions not stated): gnomAD exomes below 0.00001.
gnomAD v4.1: 1 of 1,613,668 alleles (0.000062%); highest among the groups gnomAD compares: Non-Finnish European, 0.000085%; no homozygotes.

Submission:

Labcorp Genetics (formerly Invitae), Labcorp
Classification: Likely pathogenic for Methylmalonic aciduria and homocystinuria type cblF. Last evaluated: 2024-01-05. Review status: criteria provided, single submitter. Criteria: Invitae Variant Classification Sherloc (09022015). Collection method: clinical testing. Allele origin: germline.
Comment: This sequence change affects a donor splice site in intron 1 of the LMBRD1 gene. It is expected to disrupt RNA splicing. Variants that disrupt the donor or acceptor splice site typically lead to a loss of protein function (PMID: 16199547), and loss-of-function variants in LMBRD1 are known to be pathogenic (PMID: 19136951, 21303734). This variant is not present in population databases (gnomAD no frequency). This variant has not been reported in the literature in individuals affected with LMBRD1-related conditions. Algorithms developed to predict the effect of sequence changes on RNA splicing suggest that this variant may disrupt the consensus splice site. In summary, the currently available evidence indicates that the variant is pathogenic, but additional data are needed to prove that conclusively. Therefore, this variant has been classified as Likely Pathogenic.

Literature cited by the submitters: PubMed 16199547; PubMed 19136951; PubMed 21303734.

NM_018368.4(LMBRD1):c.69+1G>A

Gene: LMBRD1 (LMBR1 domain containing 1; minus strand). Cytogenetic location: 6q13.
Variant type: single nucleotide variant.
Coding change: c.69+1G>A on transcript NM_018368.4 (MANE Select); the canonical splice donor site of the intron after coding-DNA position 69, G replaced by A.
Molecular consequence: splice donor variant.
Genome position (GRCh38, 1-based): chr6:69,796,812, C>T on the plus strand (G>A on the coding strand, the complement: LMBRD1 is on the minus strand). VCF-style: chr6-69796812-C-T. GRCh37 (hg19) VCF-style: chr6-70506704-C-T.
Identifiers: ClinVar variation 2707751 (VCV002707751.3), dbSNP rs2481499681, ClinGen allele CA364803804.
Genomic context (GRCh38, chr6:69,796,812, plus strand): 5'-GCCTGCCCCTCCCTTCCTCCCCCAGTCCAAACATGGGGAAAACTCCAAGCGCCTCCCCTA[C>T]CAGTAGTAAGAGGCCGAATATGCACCAGCCGATCACCAGCTCCGCCGAGGCCGCGCCAGA-3'